The following is an entry in ClinVar:

NM_005676.5(RBM10):c.197C>T (p.Ala66Val)

Gene: RBM10 (RNA binding motif protein 10; plus strand). Cytogenetic location: Xp11.3.
Variant type: single nucleotide variant.
Coding change: c.197C>T on transcript NM_005676.5 (MANE Select); coding-DNA position 197, C replaced by T.
Protein change: p.Ala66Val; replaces alanine 66 with valine.
Molecular consequence: missense variant.
Genome position (GRCh38, 1-based): chrX:47,169,494, C>T. VCF-style: chrX-47169494-C-T. GRCh37 (hg19) VCF-style: chrX-47028893-C-T.
Other names: c.197C>T, p.Ala66Val (NM_001204466.2, NM_001204467.2, NM_152856.3); c.392C>T, p.Ala131Val (NM_001204468.2); short protein forms A131V, A66V.
Identifiers: ClinVar variation 3701463 (VCV003701463.2).
Genomic context (GRCh38, chrX:47,169,494, plus strand): 5'-GCGAGTATGGCAGCCAGGAGGGCAAGCATGACTATGACGACTCATCTGAGGAGCAGAGTG[C>T]GGAGGTGAGGAGGGGGCGCGCTGCGCCAGGCCTGGCTGGGATGGGCTCCCAAGGGCCCTC-3'
Protein context (NP_005667.2, residues 56-76): DYDDSSEEQS[Ala66Val]EDSYEASPGS

ClinVar aggregate classification (germline): Uncertain significance (1 of 4 stars; one submission).

gnomAD v4.1: 11 of 1,206,907 alleles (0.00091%); highest among the groups gnomAD compares: Non-Finnish European, 0.0012%; no homozygotes.

Submission:

Labcorp Genetics (formerly Invitae), Labcorp
Classification: Uncertain significance. Last evaluated: 2024-02-17. Review status: criteria provided, single submitter. Criteria: Invitae Variant Classification Sherloc (09022015). Collection method: clinical testing. Allele origin: germline.
Comment: This sequence change replaces alanine, which is neutral and non-polar, with valine, which is neutral and non-polar, at codon 66 of the RBM10 protein (p.Ala66Val). The frequency data for this variant in the population databases is considered unreliable, as metrics indicate poor data quality at this position in the gnomAD database. This variant has not been reported in the literature in individuals affected with RBM10-related conditions. An algorithm developed to predict the effect of missense changes on protein structure and function (PolyPhen-2) suggests that this variant is likely to be tolerated. In summary, the available evidence is currently insufficient to determine the role of this variant in disease. Therefore, it has been classified as a Variant of Uncertain Significance.